The following is an entry in ClinVar:

NM_000492.4(CFTR):c.3139+18C>T

Genes: CFTR (CF transmembrane conductance regulator; plus strand), CFTR-AS2 (CFTR antisense RNA 2; minus strand), LOC111674472 (DNase I hypersensitive sites in introns 16 and 17a of CFTR; plus strand). Cytogenetic location: 7q31.2.
Variant type: single nucleotide variant.
Coding change: c.3139+18C>T on transcript NM_000492.4 (MANE Select); 18 bases into the intron after coding-DNA position 3139, C replaced by T.
Molecular consequence: intron variant.
Genome position (GRCh38, 1-based): chr7:117,610,687, C>T. VCF-style: chr7-117610687-C-T. GRCh37 (hg19) VCF-style: chr7-117250741-C-T.
Other names: p.?.
Identifiers: ClinVar variation 35862 (VCV000035862.63), dbSNP rs147945812, ClinGen allele CA260233.

ClinVar aggregate classification (germline): Benign/Likely benign. Review status: criteria provided, multiple submitters, no conflicts (2 of 4 stars). 11 submissions from 11 submitters: Benign (7); Likely benign (4). Last evaluated 2026-08-01.

Conditions:
Cystic fibrosis (CF). Also called: MUCOVISCIDOSIS. Identifiers: Orphanet 586, MedGen C0010674, MONDO:0009061, OMIM 219700. Disease mechanism: loss of function.

Allele frequency attached by ClinVar (database versions not stated): TOPMed 0.00092; gnomAD exomes 0.00131 and 0.00148; ExAC 0.00139; ESP Exome Variant Server 0.00192; 1000 Genomes Project 0.00120; gnomAD 0.00126 and 0.00134; 1000 Genomes Project 30x 0.00094.
gnomAD v4.1: 2,341 of 1,611,608 alleles (0.15%); highest among the groups gnomAD compares: Non-Finnish European, 0.15%; 4 homozygotes.

Submissions (11):

CeGaT Center for Human Genetics Tuebingen
Classification: Likely benign. Last evaluated: 2026-08-01. Review status: criteria provided, single submitter. Criteria: CeGaT Center For Human Genetics Tuebingen Variant Classification Criteria Version 2. Collection method: clinical testing. Allele origin: germline. Affected: yes. Observed: 5 variant alleles.
Comment: CFTR: BS3:Supporting

Labcorp Genetics (formerly Invitae), Labcorp
Classification: Benign for Cystic fibrosis. Last evaluated: 2026-01-31. Review status: criteria provided, single submitter. Criteria: Invitae Variant Classification Sherloc (09022015). Collection method: clinical testing. Allele origin: germline.

Quest Diagnostics Nichols Institute San Juan Capistrano
Classification: Likely benign. Last evaluated: 2025-04-12. Review status: criteria provided, single submitter. Criteria: Quest Diagnostics criteria. Collection method: clinical testing. Allele origin: unknown.

ARUP Laboratories, Molecular Genetics and Genomics, ARUP Laboratories
Classification: Benign. Last evaluated: 2025-03-25. Review status: criteria provided, single submitter. Criteria: ARUP Molecular Germline Variant Investigation Process 2024. Collection method: clinical testing. Allele origin: germline.

Mayo Clinic Laboratories, Mayo Clinic
Classification: Likely benign. Last evaluated: 2025-02-26. Review status: criteria provided, single submitter. Criteria: ACMG Guidelines, 2015. Collection method: clinical testing. Allele origin: germline. Observed: 2 variant alleles.
Comment: BP4, BP7

Blueprint Genetics
Classification: Likely benign. Last evaluated: 2024-11-21. Review status: criteria provided, single submitter. Criteria: ACMG Guidelines, 2015. Collection method: clinical testing. Allele origin: germline.

Clinical Genetics Laboratory, Skane University Hospital Lund
Classification: Benign. Last evaluated: 2024-03-13. Review status: criteria provided, single submitter. Criteria: ACMG Guidelines, 2015. Collection method: clinical testing. Allele origin: germline. Affected: yes.

Women's Health and Genetics/Laboratory Corporation of America, LabCorp
Classification: Benign. Last evaluated: 2018-03-27. Review status: criteria provided, single submitter. Criteria: LabCorp Variant Classification Summary - May 2015. Collection method: clinical testing. Allele origin: germline.
Comment: Variant summary: The CFTR c.3139+18C>T variant involves the alteration of a non-conserved intronic nucleotide. 5/5 computational tools predict no significant impact on normal splicing. However, these predictions have yet to be confirmed by functional studies. The variant allele was found at a frequency of 0.0014 in 276326 control chromosomes in the gnomAD database, including 1 homozygote. This frequency is not higher than expected for a pathogenic variant in CFTR causing Cystic Fibrosis (0.0014 vs 0.013), allowing no conclusion about variant significance. The c.3139+18C>T has been reported in the literature in an individual presented with mild Cystic Fibrosis, however this patient was compound heterozygous for two deleterious CFTR variants, c.1083delG (p.Trp361fsX8) and c.2291delG (p.Arg764fsX7), suggesting the variant of interest to be in the benign spectrum (Romey_1994). In addition, the variant was found in trans with F508del in an individual, who did not have CF (Gamaletsou_2017). To our knowledge, no experimental evidence demonstrating an impact on protein function has been reported. One clinical diagnostic laboratory has submitted clinical-significance assessments for this variant to ClinVar after 2014 without evidence for independent evaluation, and classified the variant as benign. Multiple published reports cite the variant as "polymorphism" (Bombier_1998; Romey_1994; Pignatti_1995). Based on the evidence outlined above, the variant was classified as benign.

CFTR-France
Classification: Benign for cystic fibrosis. Last evaluated: 2018-01-29. Review status: criteria provided, single submitter. Criteria: Claustres M et al. (Hum Mutat 2017). Collection method: curation. Allele origin: germline. Affected: no.
Comment: the variant does not result in CFTR-RD neither

Ambry Genetics
Classification: Benign for Cystic fibrosis. Last evaluated: 2015-04-30. Review status: criteria provided, single submitter. Criteria: Ambry Variant Classification Scheme 2023. Collection method: clinical testing. Allele origin: germline.

Breakthrough Genomics
Classification: Benign. Review status: criteria provided, single submitter. Criteria: ACMG Guidelines, 2015. Collection method: not provided. Allele origin: germline. Inheritance: Autosomal recessive inheritance. Affected: yes.

Literature cited by the submitters: PubMed 7524910 (cited by 4 submitters); PubMed 7543317 (cited by 3 submitters); PubMed 8644755 (cited by 3 submitters); PubMed 9921909 (cited by 3 submitters); PubMed 28603918 (cited by 3 submitters); PubMed 18687795 (cited by Quest Diagnostics Nichols Institute San Juan Capistrano and Women's Health and Genetics/Laboratory Corporation of America, LabCorp); PubMed 24451227 (cited by 4 submitters); PubMed 29035608 (cited by Quest Diagnostics Nichols Institute San Juan Capistrano and Women's Health and Genetics/Laboratory Corporation of America, LabCorp); PubMed 33836782 (cited by Quest Diagnostics Nichols Institute San Juan Capistrano).